The following is an entry in ClinVar:

Conditions:
Breast-ovarian cancer, familial, susceptibility to, 1 (BROVCA1). Also called: BRCA1 Hereditary Breast and Ovarian Cancer; OVARIAN CANCER, SUSCEPTIBILITY TO. Identifiers: Orphanet 145, MedGen C2676676, MONDO:0011450, OMIM 604370. Disease mechanism: loss of function.

Submission:

Brotman Baty Institute, University of Washington
No classification provided (evidence only). Condition: Breast-ovarian cancer, familial 1. Review status: no classification provided. Collection method: in vitro. Allele origin: not applicable. Functional consequence: function_uncertain_variant.
ClinVar note: "not provided" was previously submitted as the classification for the variant. However, the classification appeared to be based only on an observation of functional data so it was converted to no classification on 2025-07-30.

NM_007294.4(BRCA1):c.5468-6C>A

Gene: BRCA1 (BRCA1 DNA repair associated; minus strand). Cytogenetic location: 17q21.31.
Variant type: single nucleotide variant.
Coding change: c.5468-6C>A on transcript NM_007294.4 (MANE Select); 6 bases into the intron before coding-DNA position 5468, C replaced by A.
Molecular consequence: intron variant.
Genome position (GRCh38, 1-based): chr17:43,045,808, G>T on the plus strand (C>A on the coding strand, the complement: BRCA1 is on the minus strand). VCF-style: chr17-43045808-G-T. GRCh37 (hg19) VCF-style: chr17-41197825-G-T.
Other names: c.1817-6C>A (NM_001408509.1); c.1820-6C>A (NM_001408508.1); c.1946-6C>A (NM_001408491.1, NM_001408481.1, NM_001408490.1 and 5 more transcripts); c.5252-6C>A (NM_001407918.1, NM_001407915.1, NM_001407916.1 and 1 more transcripts); c.5255-6C>A (NM_001407894.1, NM_001407909.1, NM_001407906.1 and 12 more transcripts); c.5129-6C>A (NM_001407957.1, NM_001407958.1, NM_001407956.1); c.5132-6C>A (NM_001407953.1, NM_001407955.1, NM_001407951.1 and 3 more transcripts); c.5135-6C>A (NM_001407949.1, NM_001407946.1, NM_001407948.1 and 1 more transcripts); and 83 more.
Identifiers: ClinVar variation 868555 (VCV000868555.3), dbSNP rs2050891161, ClinGen allele CA916080710.